The following is an entry in ClinVar:

NM_004281.4(BAG3):c.465A>G (p.Ala155=)

Gene: BAG3 (BAG cochaperone 3; plus strand). Cytogenetic location: 10q26.11.
Variant type: single nucleotide variant.
Coding change: c.465A>G on transcript NM_004281.4 (MANE Select); coding-DNA position 465, A replaced by G.
Protein change: p.Ala155=; no amino-acid change (alanine 155 retained).
Molecular consequence: synonymous variant.
Genome position (GRCh38, 1-based): chr10:119,670,135, A>G. VCF-style: chr10-119670135-A-G. GRCh37 (hg19) VCF-style: chr10-121429647-A-G.
Identifiers: ClinVar variation 227186 (VCV000227186.54), dbSNP rs775151738, ClinGen allele CA5716323.
Genomic context (GRCh38, chr10:119,670,135, plus strand): 5'-GTCACCTCTGCGGGGCATGCCAGAAACCACTCAGCCAGATAAACAGTGTGGACAGGTGGC[A>G]GCGGCGGCGGCAGCCCAGCCCCCAGCCTCCCACGGACCTGAGGTAAGGAGAGGCCAGGCT-3'
Protein context (NP_004272.2, residues 145-165): TQPDKQCGQV[Ala155=]AAAAAQPPAS

ClinVar aggregate classification (germline): Conflicting classifications of pathogenicity. Review status: criteria provided, conflicting classifications (1 of 4 stars). 11 submissions from 10 submitters: Uncertain significance (3); Likely benign (8). Last evaluated 2026-06-01.

Conditions:
Cardiovascular phenotype. Identifiers: MedGen CN230736.
Dilated cardiomyopathy 1HH (CMD1HH). Identifiers: Orphanet 154, MedGen C3151293, MONDO:0013479, OMIM 613881.
Myofibrillar myopathy 6. Identifiers: Orphanet 199340, MedGen C2751831, MONDO:0013061, OMIM 612954.
Cardiomyopathy (CMYO). Also called: Cardiomyopathies. Identifiers: Orphanet 167848, MedGen C0878544, MONDO:0004994, HP:0001638. Inheritance: Various modes of inheritance.

Allele frequency attached by ClinVar (database versions not stated): ExAC 0.00001; gnomAD 0.00001; gnomAD exomes 0.00003 and 0.00004; TOPMed 0.00006.
gnomAD v4.1: 57 of 1,612,434 alleles (0.0035%); highest among the groups gnomAD compares: Middle Eastern, 0.099%; 1 homozygote.

Submissions (11):

CeGaT Center for Human Genetics Tuebingen
Classification: Likely benign. Last evaluated: 2026-06-01. Review status: criteria provided, single submitter. Criteria: CeGaT Center For Human Genetics Tuebingen Variant Classification Criteria Version 2. Collection method: clinical testing. Allele origin: germline. Affected: yes. Observed: 3 variant alleles.
Comment: BAG3: BP4, BP7

Labcorp Genetics (formerly Invitae), Labcorp
Classification: Likely benign for Dilated cardiomyopathy 1HH; Myofibrillar myopathy 6. Last evaluated: 2025-06-23. Review status: criteria provided, single submitter. Criteria: Invitae Variant Classification Sherloc (09022015). Collection method: clinical testing. Allele origin: germline.

Molecular Diagnostic Laboratory for Inherited Cardiovascular Disease, Montreal Heart Institute
Classification: Likely benign. Last evaluated: 2025-04-09. Review status: criteria provided, single submitter. Criteria: ACMG Guidelines, 2015. Collection method: clinical testing. Allele origin: germline. Affected: no.
Comment: BP6;BP7

Blueprint Genetics
Classification: Likely benign. Last evaluated: 2024-05-27. Review status: criteria provided, single submitter. Criteria: ACMG Guidelines, 2015. Collection method: clinical testing. Allele origin: germline.

Ambry Genetics
Classification: Likely benign for Cardiovascular phenotype. Last evaluated: 2022-07-06. Review status: criteria provided, single submitter. Criteria: Ambry Variant Classification Scheme 2023. Collection method: clinical testing. Allele origin: germline.

CHEO Genetics Diagnostic Laboratory, Children's Hospital of Eastern Ontario
Classification: Likely benign for Cardiomyopathy. Last evaluated: 2022-03-31. Review status: criteria provided, single submitter. Criteria: ACMG Guidelines, 2015. Collection method: clinical testing. Allele origin: germline.

Illumina Laboratory Services, Illumina
Classification: Uncertain significance for Dilated cardiomyopathy 1HH. Last evaluated: 2018-01-13. Review status: criteria provided, single submitter. Criteria: ICSL Variant Classification Criteria 13 December 2019. Collection method: clinical testing. Allele origin: germline.

Illumina Laboratory Services, Illumina
Classification: Uncertain significance for Myofibrillar myopathy 6. Last evaluated: 2018-01-13. Review status: criteria provided, single submitter. Criteria: ICSL Variant Classification Criteria 13 December 2019. Collection method: clinical testing. Allele origin: germline.

GeneDx
Classification: Likely benign. Last evaluated: 2017-12-04. Review status: criteria provided, single submitter. Criteria: GeneDx Variant Classification (06012015). Collection method: clinical testing. Allele origin: germline. Affected: yes.
Comment: This variant is considered likely benign or benign based on one or more of the following criteria: it is a conservative change, it occurs at a poorly conserved position in the protein, it is predicted to be benign by multiple in silico algorithms, and/or has population frequency not consistent with disease.

Eurofins Ntd Llc (ga)
Classification: Uncertain significance. Last evaluated: 2016-11-30. Review status: criteria provided, single submitter. Criteria: EGL Classification Definitions 2015. Collection method: clinical testing. Allele origin: germline. Observed: 1 variant allele, 1 heterozygote.

Laboratory for Molecular Medicine, Mass General Brigham Personalized Medicine
Classification: Likely benign. Last evaluated: 2015-11-23. Review status: criteria provided, single submitter. Criteria: LMM Criteria. Collection method: clinical testing. Allele origin: germline. Observed: 1 variant allele.
Comment: p.Ala155Ala in exon 2 of BAG3: This variant is not expected to have clinical sig nificance because it does not alter an amino acid residue and is not located wit hin the splice consensus sequence. It has been identified in 1/63330 European ch romosomes by the Exome Aggregation Consortium (ExAC. org; dbSNP rs775151738).